The following is an entry in ClinVar:

NM_000562.3(C8A):c.1396G>T (p.Glu466Ter)

Gene: C8A (complement C8 alpha chain; plus strand). Cytogenetic location: 1p32.2.
Variant type: single nucleotide variant.
Coding change: c.1396G>T on transcript NM_000562.3 (MANE Select); coding-DNA position 1396, G replaced by T.
Protein change: p.Glu466Ter; replaces glutamic acid 466 with a stop codon.
Molecular consequence: nonsense.
Genome position (GRCh38, 1-based): chr1:56,912,418, G>T. VCF-style: chr1-56912418-G-T. GRCh37 (hg19) VCF-style: chr1-57378091-G-T.
Other names: short protein forms E466*.
Identifiers: ClinVar variation 1426221 (VCV001426221.7), dbSNP rs754227627, ClinGen allele CA875377.

ClinVar aggregate classification (germline): Pathogenic. Review status: criteria provided, multiple submitters, no conflicts (2 of 4 stars). 2 submissions from 2 submitters: Pathogenic (2). Last evaluated 2026-01-12.

Allele frequency attached by ClinVar (database versions not stated): ExAC 0.00002.
gnomAD v4.1: 9 of 1,614,024 alleles (0.00056%); highest among the groups gnomAD compares: Admixed American, 0.012%; no homozygotes.

Submissions (2):

Labcorp Genetics (formerly Invitae), Labcorp
Classification: Pathogenic. Last evaluated: 2026-01-12. Review status: criteria provided, single submitter. Criteria: Invitae Variant Classification Sherloc (09022015). Collection method: clinical testing. Allele origin: germline.
Comment: This sequence change creates a premature translational stop signal (p.Glu466*) in the C8A gene. It is expected to result in an absent or disrupted protein product. Loss-of-function variants in C8A are known to be pathogenic (PMID: 9759902). This variant is present in population databases (rs754227627, gnomAD 0.01%). This variant has not been reported in the literature in individuals affected with C8A-related conditions. ClinVar contains an entry for this variant (Variation ID: 1426221). For these reasons, this variant has been classified as Pathogenic.

Dasa
Classification: Pathogenic. Last evaluated: 2024-09-20. Review status: criteria provided, single submitter. Criteria: DASA Assertion Criteria. Collection method: clinical testing. Allele origin: germline.
Comment: NM_000562.3(C8A):c.1396G>T (p.Glu466*) introduces a premature termination codon predicted to result in loss of normal protein function. Loss-of-function is an established mechanism of disease for this gene. The variant is present at low frequency in population datasets. Based on the available data, this variant is classified as pathogenic.

Literature cited by the submitters: PubMed 9759902 (cited by Labcorp Genetics (formerly Invitae), Labcorp).